The following is an entry in ClinVar:

ClinVar aggregate classification (germline): Uncertain significance (1 of 4 stars; one submission).

Allele frequency attached by ClinVar (database versions not stated): gnomAD exomes below 0.00001.
gnomAD v4.1: 2 of 1,608,932 alleles (0.00012%); highest among the groups gnomAD compares: Non-Finnish European, 0.00017%; no homozygotes.

Submission:

Labcorp Genetics (formerly Invitae), Labcorp
Classification: Uncertain significance. Last evaluated: 2022-06-25. Review status: criteria provided, single submitter. Criteria: Invitae Variant Classification Sherloc (09022015). Collection method: clinical testing. Allele origin: germline.
Comment: In summary, the available evidence is currently insufficient to determine the role of this variant in disease. Therefore, it has been classified as a Variant of Uncertain Significance. Algorithms developed to predict the effect of sequence changes on RNA splicing suggest that this variant may disrupt the consensus splice site. This variant has not been reported in the literature in individuals affected with DBR1-related conditions. This variant is not present in population databases (gnomAD no frequency). This sequence change falls in intron 1 of the DBR1 gene. It does not directly change the encoded amino acid sequence of the DBR1 protein.

NM_016216.4(DBR1):c.198-8T>G

Gene: DBR1 (debranching RNA lariats 1; minus strand). Cytogenetic location: 3q22.3.
Variant type: single nucleotide variant.
Coding change: c.198-8T>G on transcript NM_016216.4 (MANE Select); 8 bases into the intron before coding-DNA position 198, T replaced by G.
Molecular consequence: intron variant.
Genome position (GRCh38, 1-based): chr3:138,173,634, A>C on the plus strand (T>G on the coding strand, the complement: DBR1 is on the minus strand). VCF-style: chr3-138173634-A-C. GRCh37 (hg19) VCF-style: chr3-137892476-A-C.
Identifiers: ClinVar variation 1993909 (VCV001993909.4), dbSNP rs1379131278, ClinGen allele CA899532006.